The following is an entry in ClinVar:

ClinVar aggregate classification (germline): Uncertain significance. Review status: criteria provided, multiple submitters, no conflicts (2 of 4 stars). 2 submissions from 2 submitters: Uncertain significance (2). Last evaluated 2025-02-10.

Conditions:
Maple syrup urine disease, mild variant (MSUDMV). Identifiers: Orphanet 511, MedGen C3554575, MONDO:0014057, OMIM 615135.

Allele frequency attached by ClinVar (database versions not stated): gnomAD 0.00004; ExAC 0.00008; gnomAD exomes 0.00008; TOPMed 0.00008; ESP Exome Variant Server 0.00015; 1000 Genomes Project 0.00020; 1000 Genomes Project 30x 0.00031.
gnomAD v4.1: 50 of 1,613,096 alleles (0.0031%); highest among the groups gnomAD compares: Admixed American, 0.023%; no homozygotes.

Submissions (2):

Labcorp Genetics (formerly Invitae), Labcorp
Classification: Uncertain significance for Maple syrup urine disease, mild variant. Last evaluated: 2025-02-10. Review status: criteria provided, single submitter. Criteria: Invitae Variant Classification Sherloc (09022015). Collection method: clinical testing. Allele origin: germline.
Comment: This sequence change replaces arginine, which is basic and polar, with cysteine, which is neutral and slightly polar, at codon 176 of the PPM1K protein (p.Arg176Cys). This variant is present in population databases (rs150935940, gnomAD 0.03%). This variant has not been reported in the literature in individuals affected with PPM1K-related conditions. ClinVar contains an entry for this variant (Variation ID: 939984). An algorithm developed to predict the effect of missense changes on protein structure and function (PolyPhen-2) suggests that this variant is likely to be tolerated. In summary, the available evidence is currently insufficient to determine the role of this variant in disease. Therefore, it has been classified as a Variant of Uncertain Significance.

Ambry Genetics
Classification: Uncertain significance. Last evaluated: 2024-07-02. Review status: criteria provided, single submitter. Criteria: Ambry Variant Classification Scheme 2023. Collection method: clinical testing. Allele origin: germline.

NM_152542.5(PPM1K):c.526C>T (p.Arg176Cys)

Gene: PPM1K (protein phosphatase, Mg2+/Mn2+ dependent 1K; minus strand). Cytogenetic location: 4q22.1.
Variant type: single nucleotide variant.
Coding change: c.526C>T on transcript NM_152542.5 (MANE Select); coding-DNA position 526, C replaced by T.
Protein change: p.Arg176Cys; replaces arginine 176 with cysteine.
Molecular consequence: missense variant.
Genome position (GRCh38, 1-based): chr4:88,277,158, G>A on the plus strand (C>T on the coding strand, the complement: PPM1K is on the minus strand). VCF-style: chr4-88277158-G-A. GRCh37 (hg19) VCF-style: chr4-89198310-G-A.
Other names: c.526C>T (NM_152542.3); short protein forms R176C.
Identifiers: ClinVar variation 939984 (VCV000939984.11), dbSNP rs150935940, ClinGen allele CA3005266.